The following is an entry in ClinVar:

NM_005902.4(SMAD3):c.24T>G (p.Thr8=)

Genes: SMAD3 (SMAD family member 3; plus strand), LOC130057352 (ATAC-STARR-seq lymphoblastoid silent region 6574; plus strand). Cytogenetic location: 15q22.33.
Variant type: single nucleotide variant.
Coding change: c.24T>G on transcript NM_005902.4 (MANE Select); coding-DNA position 24, T replaced by G.
Protein change: p.Thr8=; no amino-acid change (threonine 8 retained).
Molecular consequence: synonymous variant.
Genome position (GRCh38, 1-based): chr15:67,066,178, T>G. VCF-style: chr15-67066178-T-G. GRCh37 (hg19) VCF-style: chr15-67358516-T-G.
Other names: c.24T>G, p.Thr8= (NM_001407011.1, NM_001407012.1, NM_001407013.1).
Identifiers: ClinVar variation 3074714 (VCV003074714.4), dbSNP rs2504999822, ClinGen allele CA491015097.
Genomic context (GRCh38, chr15:67,066,178, plus strand): 5'-GGGGGCGCTCCTCGCCGCCCGCGCGCCCTCCCCAGCCATGTCGTCCATCCTGCCTTTCAC[T>G]CCCCCGATCGTGAAGCGCCTGCTGGGCTGGAAGAAGGGCGAGCAGAACGGGCAGGAGGAG-3'
Protein context (NP_005893.1, residues 1-18): MSSILPF[Thr8=]PPIVKRLLGW

ClinVar aggregate classification (germline): Likely benign. Review status: criteria provided, multiple submitters, no conflicts (2 of 4 stars). 3 submissions from 3 submitters: Likely benign (3). Last evaluated 2024-10-13.

Conditions:
Familial thoracic aortic aneurysm and aortic dissection (TAAD). Also called: Thoracic aortic aneurysms and dissections. Identifiers: Orphanet 91387, MedGen C4707243, MONDO:0019625.
Aneurysm-osteoarthritis syndrome. Also called: LOEYS-DIETZ SYNDROME WITH OSTEOARTHRITIS; Loeys-Dietz syndrome, type 1C; SMAD3-Related Loeys-Dietz Syndrome; ANEURYSMS-OSTEOARTHRITIS SYNDROME. Identifiers: Orphanet 284984, MedGen C3151087, MONDO:0013426, OMIM 613795.

gnomAD v4.1: 1 of 1,606,594 alleles (0.000062%); highest among the groups gnomAD compares: Non-Finnish European, 0.000085%; no homozygotes.

Submissions (3):

Labcorp Genetics (formerly Invitae), Labcorp
Classification: Likely benign for Familial thoracic aortic aneurysm and aortic dissection. Last evaluated: 2024-10-13. Review status: criteria provided, single submitter. Criteria: Invitae Variant Classification Sherloc (09022015). Collection method: clinical testing. Allele origin: germline.

All of Us Research Program, National Institutes of Health
Classification: Likely benign for Aneurysm-osteoarthritis syndrome. Last evaluated: 2023-11-20. Review status: criteria provided, single submitter. Criteria: ACMG Guidelines, 2015. Collection method: clinical testing. Allele origin: germline. Inheritance: Autosomal dominant inheritance. Observed: 1 variant allele, 1 heterozygote.
Comment: This study involves interpretation of variants in research participants for the purpose of population health screening. Participant phenotype was not available at the time of variant classification. Additional details can be found in publication PMID: 35346344, PMCID: PMC8962531

Blueprint Genetics
Classification: Likely benign. Last evaluated: 2021-09-04. Review status: criteria provided, single submitter. Criteria: ACMG Guidelines, 2015. Collection method: clinical testing. Allele origin: germline.